The following is an entry in ClinVar:

ClinVar aggregate classification (germline): Uncertain significance. Review status: criteria provided, multiple submitters, no conflicts (2 of 4 stars). 3 submissions from 3 submitters: Uncertain significance (3). Last evaluated 2024-09-03.

Conditions:
Cardiovascular phenotype. Identifiers: MedGen CN230736.

Allele frequency attached by ClinVar (database versions not stated): TOPMed below 0.00001; gnomAD exomes 0.00001 and 0.00004; ExAC 0.00003.
gnomAD v4.1: 53 of 1,590,766 alleles (0.0033%); highest among the groups gnomAD compares: Non-Finnish European, 0.0044%; no homozygotes.

Submissions (3):

Labcorp Genetics (formerly Invitae), Labcorp
Classification: Uncertain significance. Last evaluated: 2024-09-03. Review status: criteria provided, single submitter. Criteria: Invitae Variant Classification Sherloc (09022015). Collection method: clinical testing. Allele origin: germline.
Comment: This sequence change replaces glutamic acid, which is acidic and polar, with valine, which is neutral and non-polar, at codon 1135 of the ALPK3 protein (p.Glu1135Val). This variant is present in population databases (rs758445691, gnomAD 0.003%). This variant has not been reported in the literature in individuals affected with ALPK3-related conditions. ClinVar contains an entry for this variant (Variation ID: 1302036). Invitae Evidence Modeling of protein sequence and biophysical properties (such as structural, functional, and spatial information, amino acid conservation, physicochemical variation, residue mobility, and thermodynamic stability) indicates that this missense variant is expected to disrupt ALPK3 protein function with a positive predictive value of 80%. In summary, the available evidence is currently insufficient to determine the role of this variant in disease. Therefore, it has been classified as a Variant of Uncertain Significance.

Ambry Genetics
Classification: Uncertain significance for Cardiovascular phenotype. Last evaluated: 2022-05-31. Review status: criteria provided, single submitter. Criteria: Ambry Variant Classification Scheme 2023. Collection method: clinical testing. Allele origin: germline.
Comment: The p.E1135V variant (also known as c.3404A>T), located in coding exon 6 of the ALPK3 gene, results from an A to T substitution at nucleotide position 3404. The glutamic acid at codon 1135 is replaced by valine, an amino acid with dissimilar properties. This amino acid position is not well conserved in available vertebrate species. In addition, this alteration is predicted to be tolerated by in silico analysis. Since supporting evidence is limited at this time, the clinical significance of this alteration remains unclear.

GeneDx
Classification: Uncertain significance. Last evaluated: 2019-04-30. Review status: criteria provided, single submitter. Criteria: GeneDx Variant Classification Process June 2021. Collection method: clinical testing. Allele origin: germline. Affected: yes.

NM_020778.5(ALPK3):c.2798A>T (p.Glu933Val)

Gene: ALPK3 (alpha kinase 3; plus strand). Cytogenetic location: 15q25.3.
Variant type: single nucleotide variant.
Coding change: c.2798A>T on transcript NM_020778.5 (MANE Select); coding-DNA position 2798, A replaced by T.
Protein change: p.Glu933Val; replaces glutamic acid 933 with valine.
Molecular consequence: missense variant.
Genome position (GRCh38, 1-based): chr15:84,857,536, A>T. VCF-style: chr15-84857536-A-T. GRCh37 (hg19) VCF-style: chr15-85400767-A-T.
Other names: short protein forms E933V.
Identifiers: ClinVar variation 1302036 (VCV001302036.9), dbSNP rs758445691, ClinGen allele CA7709496.